The following is an entry in ClinVar:

NM_001458.5(FLNC):c.3581C>T (p.Ser1194Leu)

Gene: FLNC (filamin C; plus strand). Cytogenetic location: 7q32.1.
Variant type: single nucleotide variant.
Coding change: c.3581C>T on transcript NM_001458.5 (MANE Select); coding-DNA position 3581, C replaced by T.
Protein change: p.Ser1194Leu; replaces serine 1194 with leucine.
Molecular consequence: missense variant.
Genome position (GRCh38, 1-based): chr7:128,845,046, C>T. VCF-style: chr7-128845046-C-T. GRCh37 (hg19) VCF-style: chr7-128485100-C-T.
Other names: c.3581C>T, p.Ser1194Leu (NM_001127487.2); short protein forms S1194L.
Identifiers: ClinVar variation 664165 (VCV000664165.16), dbSNP rs773481064, ClinGen allele CA4475071.

ClinVar aggregate classification (germline): Conflicting classifications of pathogenicity. Review status: criteria provided, conflicting classifications (1 of 4 stars). 4 submissions from 4 submitters: Likely pathogenic (1); Uncertain significance (3). Last evaluated 2026-07-15.

Conditions:
Myofibrillar myopathy 5. Also called: Filaminopathy (type); FILAMINOPATHY, AUTOSOMAL DOMINANT. Identifiers: Orphanet 171445, MedGen C1836050, MONDO:0012289, OMIM 609524.
Distal myopathy with posterior leg and anterior hand involvement. Also called: WILLIAMS DISTAL MYOPATHY. Identifiers: Orphanet 63273, MedGen C3279722, MONDO:0013550, OMIM 614065.
Hypertrophic cardiomyopathy 26. Also called: Cardiomyopathy, familial hypertrophic, 26. Identifiers: Orphanet 75249, MedGen C4310749, MONDO:0014883, OMIM 617047.
Cardiovascular phenotype. Identifiers: MedGen CN230736.

Allele frequency attached by ClinVar (database versions not stated): gnomAD exomes below 0.00001; TOPMed below 0.00001; ExAC 0.00001.
gnomAD v4.1: 4 of 1,613,798 alleles (0.00025%); highest among the groups gnomAD compares: South Asian, 0.0011%; no homozygotes.

Submissions (4):

Ambry Genetics
Classification: Uncertain significance for Cardiovascular phenotype. Last evaluated: 2026-07-15. Review status: criteria provided, single submitter. Criteria: Ambry Variant Classification Scheme 2023. Collection method: clinical testing. Allele origin: germline.
Comment: The p.S1194L variant (also known as c.3581C>T), located in coding exon 21 of the FLNC gene, results from a C to T substitution at nucleotide position 3581. The serine at codon 1194 is replaced by leucine, an amino acid with dissimilar properties. This variant was reported in individual(s) with features consistent with hypertrophic cardiomyopathy (Ader F et al. Clin Genet, 2019 10;96:317-329; Earle NJ et al. Circ Heart Fail. 2024 Mar;17(3):e010970). This amino acid position is highly conserved in available vertebrate species. In addition, this alteration is predicted to be deleterious by in silico analysis. Based on the available evidence, the clinical significance of this variant remains unclear.

Molecular Diagnostic Laboratory for Inherited Cardiovascular Disease, Montreal Heart Institute
Classification: Uncertain significance for Cardiovascular phenotype. Last evaluated: 2025-04-09. Review status: criteria provided, single submitter. Criteria: ACMG Guidelines, 2015. Collection method: clinical testing. Allele origin: germline. Affected: yes.

Labcorp Genetics (formerly Invitae), Labcorp
Classification: Likely pathogenic for Distal myopathy with posterior leg and anterior hand involvement; Myofibrillar myopathy 5; Hypertrophic cardiomyopathy 26. Last evaluated: 2025-03-31. Review status: criteria provided, single submitter. Criteria: Invitae Variant Classification Sherloc (09022015). Collection method: clinical testing. Allele origin: germline.
Comment: This sequence change replaces serine, which is neutral and polar, with leucine, which is neutral and non-polar, at codon 1194 of the FLNC protein (p.Ser1194Leu). This variant is present in population databases (rs773481064, gnomAD 0.003%). This missense change has been observed in individuals with clinical features of FLNC-related conditions (PMID: 31245841; internal data). ClinVar contains an entry for this variant (Variation ID: 664165). Invitae Evidence Modeling of protein sequence and biophysical properties (such as structural, functional, and spatial information, amino acid conservation, physicochemical variation, residue mobility, and thermodynamic stability) has been performed for this missense variant. However, the output from this modeling did not meet the statistical confidence thresholds required to predict the impact of this variant on FLNC protein function. In summary, the currently available evidence indicates that the variant is pathogenic, but additional data are needed to prove that conclusively. Therefore, this variant has been classified as Likely Pathogenic.

GeneDx
Classification: Uncertain significance. Last evaluated: 2024-08-22. Review status: criteria provided, single submitter. Criteria: GeneDx Variant Classification Process June 2021. Collection method: clinical testing. Allele origin: germline. Affected: yes.
Comment: Not observed at significant frequency in large population cohorts (gnomAD); In silico analysis supports that this missense variant has a deleterious effect on protein structure/function; This variant is associated with the following publications: (PMID: 30418145, 31245841)

Literature cited by the submitters: PubMed 31245841 (cited by Ambry Genetics and Labcorp Genetics (formerly Invitae), Labcorp); PubMed 38456273 (cited by Ambry Genetics).